The following is an entry in ClinVar:

ClinVar aggregate classification (germline): Uncertain significance. Review status: criteria provided, multiple submitters, no conflicts (2 of 4 stars). 3 submissions from 3 submitters: Uncertain significance (3). Last evaluated 2023-12-20.

Conditions:
Inborn genetic diseases. Identifiers: MedGen C0950123, MeSH D030342.

Allele frequency attached by ClinVar (database versions not stated): ESP Exome Variant Server 0.00008; 1000 Genomes Project 30x 0.00016; 1000 Genomes Project 0.00020.
gnomAD v4.1: 163 of 1,613,926 alleles (0.01%); highest among the groups gnomAD compares: Non-Finnish European, 0.013%; no homozygotes.

Submissions (3):

ARUP Laboratories, Molecular Genetics and Genomics, ARUP Laboratories
Classification: Uncertain significance. Last evaluated: 2023-12-20. Review status: criteria provided, single submitter. Criteria: ARUP Molecular Germline Variant Investigation Process 2024. Collection method: clinical testing. Allele origin: germline.

Labcorp Genetics (formerly Invitae), Labcorp
Classification: Uncertain significance. Last evaluated: 2023-11-04. Review status: criteria provided, single submitter. Criteria: Invitae Variant Classification Sherloc (09022015). Collection method: clinical testing. Allele origin: germline.
Comment: This sequence change replaces glycine, which is neutral and non-polar, with alanine, which is neutral and non-polar, at codon 1778 of the DMXL2 protein (p.Gly1778Ala). This variant is present in population databases (rs186940430, gnomAD 0.007%). This variant has not been reported in the literature in individuals affected with DMXL2-related conditions. ClinVar contains an entry for this variant (Variation ID: 1978892). An algorithm developed to predict the effect of missense changes on protein structure and function (PolyPhen-2) suggests that this variant is likely to be disruptive. In summary, the available evidence is currently insufficient to determine the role of this variant in disease. Therefore, it has been classified as a Variant of Uncertain Significance.

Ambry Genetics
Classification: Uncertain significance for Inborn genetic diseases. Last evaluated: 2021-09-17. Review status: criteria provided, single submitter. Criteria: Ambry Variant Classification Scheme 2023. Collection method: clinical testing. Allele origin: germline.

NM_001378457.1(DMXL2):c.5333G>C (p.Gly1778Ala)

Gene: DMXL2 (Dmx like 2; minus strand). Cytogenetic location: 15q21.2.
Variant type: single nucleotide variant.
Coding change: c.5333G>C on transcript NM_001378457.1 (MANE Select); coding-DNA position 5333, G replaced by C.
Protein change: p.Gly1778Ala; replaces glycine 1778 with alanine.
Molecular consequence: missense variant. On other transcripts: non-coding transcript variant (2).
Genome position (GRCh38, 1-based): chr15:51,486,222, C>G on the plus strand (G>C on the coding strand, the complement: DMXL2 is on the minus strand). VCF-style: chr15-51486222-C-G. GRCh37 (hg19) VCF-style: chr15-51778419-C-G.
Other names: c.5333G>C, p.Gly1778Ala (NM_001174116.3, NM_001378458.1, NM_001378459.1 and 4 more transcripts); c.3425G>C, p.Gly1142Ala (NM_001174117.3); c.3314G>C, p.Gly1105Ala (NM_001378460.1); c.5093G>C, p.Gly1698Ala (NM_001378464.1); short protein forms G1105A, G1778A, G1142A, G1698A.
Identifiers: ClinVar variation 1978892 (VCV001978892.4), dbSNP rs186940430, ClinGen allele CA7561819.